The following is an entry in ClinVar:

ClinVar aggregate classification (germline): Uncertain significance (1 of 4 stars; one submission).

Conditions:
LAMA2-related muscular dystrophy (LAMA2-RD). Also called: Laminin alpha 2-related dystrophy. Identifiers: MedGen C5679788, MONDO:0100228.

Allele frequency attached by ClinVar (database versions not stated): TOPMed below 0.00001.
gnomAD v4.1: 3 of 1,613,860 alleles (0.00019%); highest among the groups gnomAD compares: African/African-American, 0.0013%; no homozygotes.

Submission:

Labcorp Genetics (formerly Invitae), Labcorp
Classification: Uncertain significance for LAMA2-related muscular dystrophy. Last evaluated: 2021-08-31. Review status: criteria provided, single submitter. Criteria: Invitae Variant Classification Sherloc (09022015). Collection method: clinical testing. Allele origin: germline.
Comment: This sequence change replaces histidine with tyrosine at codon 1001 of the LAMA2 protein (p.His1001Tyr). The histidine residue is moderately conserved and there is a moderate physicochemical difference between histidine and tyrosine. This variant is not present in population databases (ExAC no frequency). This variant has not been reported in the literature in individuals affected with LAMA2-related conditions. Algorithms developed to predict the effect of missense changes on protein structure and function are either unavailable or do not agree on the potential impact of this missense change (SIFT: "Tolerated"; PolyPhen-2: "Possibly Damaging"; Align-GVGD: "Class C0"). In summary, the available evidence is currently insufficient to determine the role of this variant in disease. Therefore, it has been classified as a Variant of Uncertain Significance.

NM_000426.4(LAMA2):c.3001C>T (p.His1001Tyr)

Gene: LAMA2 (laminin subunit alpha 2; plus strand). Cytogenetic location: 6q22.33.
Variant type: single nucleotide variant.
Coding change: c.3001C>T on transcript NM_000426.4 (MANE Select); coding-DNA position 3001, C replaced by T.
Protein change: p.His1001Tyr; replaces histidine 1001 with tyrosine.
Molecular consequence: missense variant.
Genome position (GRCh38, 1-based): chr6:129,297,829, C>T. VCF-style: chr6-129297829-C-T. GRCh37 (hg19) VCF-style: chr6-129618974-C-T.
Other names: c.3001C>T, p.His1001Tyr (NM_001079823.2); short protein forms H1001Y.
Identifiers: ClinVar variation 860355 (VCV000860355.7), dbSNP rs1255753553, ClinGen allele CA365611219.